The following is an entry in ClinVar:

ClinVar aggregate classification (germline): Likely benign (1 of 4 stars; one submission).

Conditions:
Familial isolated arrhythmogenic right ventricular dysplasia. Identifiers: Orphanet 217656, MedGen C4274968, MONDO:0016342.

Allele frequency attached by ClinVar (database versions not stated): TOPMed below 0.00001.

Submission:

All of Us Research Program, National Institutes of Health
Classification: Likely benign for Familial isolated arrhythmogenic right ventricular dysplasia. Last evaluated: 2023-03-09. Review status: criteria provided, single submitter. Criteria: ACMG Guidelines, 2015. Collection method: clinical testing. Allele origin: germline. Inheritance: Autosomal dominant inheritance. Observed: 1 variant allele, 1 heterozygote.
Comment: This study involves interpretation of variants in research participants for the purpose of population health screening. Participant phenotype was not available at the time of variant classification. Additional details can be found in publication PMID: 35346344, PMCID: PMC8962531

NM_024422.6(DSC2):c.726T>C (p.Ile242=)

Gene: DSC2 (desmocollin 2; minus strand). Cytogenetic location: 18q12.1.
Variant type: single nucleotide variant.
Coding change: c.726T>C on transcript NM_024422.6 (MANE Select); coding-DNA position 726, T replaced by C.
Protein change: p.Ile242=; no amino-acid change (isoleucine 242 retained).
Molecular consequence: synonymous variant.
Genome position (GRCh38, 1-based): chr18:31,087,718, A>G on the plus strand (T>C on the coding strand, the complement: DSC2 is on the minus strand). VCF-style: chr18-31087718-A-G. GRCh37 (hg19) VCF-style: chr18-28667681-A-G.
Other names: c.297T>C, p.Ile99= (NM_001406506.1, NM_001406507.1); c.726T>C, p.Ile242= (NM_004949.5).
Identifiers: ClinVar variation 3069876 (VCV003069876.1), dbSNP rs1987449596, ClinGen allele CA503389337.